The following is an entry in ClinVar:

ClinVar aggregate classification (germline): Uncertain significance. Review status: criteria provided, multiple submitters, no conflicts (2 of 4 stars). 2 submissions from 2 submitters: Uncertain significance (2). Last evaluated 2025-08-08.

Conditions:
Bethlem myopathy 1A. Also called: MYOPATHY, BENIGN CONGENITAL, WITH CONTRACTURES; Bethlem myopathy 1; Bethlem Muscular Dystrophy. Identifiers: Orphanet 610, MedGen CN029274, MONDO:0024530, OMIM 158810.

Allele frequency attached by ClinVar (database versions not stated): gnomAD exomes below 0.00001 and 0.00001; ExAC 0.00001.

Submissions (2):

Labcorp Genetics (formerly Invitae), Labcorp
Classification: Uncertain significance for Bethlem myopathy 1A. Last evaluated: 2025-08-08. Review status: criteria provided, single submitter. Criteria: Invitae Variant Classification Sherloc (09022015). Collection method: clinical testing. Allele origin: germline.
Comment: This sequence change replaces lysine, which is basic and polar, with isoleucine, which is neutral and non-polar, at codon 505 of the COL6A3 protein (p.Lys505Ile). This variant is present in population databases (rs747914812, gnomAD 0.003%). This variant has not been reported in the literature in individuals affected with COL6A3-related conditions. ClinVar contains an entry for this variant (Variation ID: 501806). Invitae Evidence Modeling of protein sequence and biophysical properties (such as structural, functional, and spatial information, amino acid conservation, physicochemical variation, residue mobility, and thermodynamic stability) indicates that this missense variant is not expected to disrupt COL6A3 protein function with a negative predictive value of 95%. In summary, the available evidence is currently insufficient to determine the role of this variant in disease. Therefore, it has been classified as a Variant of Uncertain Significance.

Eurofins Ntd Llc (ga)
Classification: Uncertain significance. Last evaluated: 2017-05-03. Review status: criteria provided, single submitter. Criteria: EGL Classification Definitions 2015. Collection method: clinical testing. Allele origin: germline. Observed: 2 variant alleles, 2 heterozygotes.

NM_004369.4(COL6A3):c.1514A>T (p.Lys505Ile)

Gene: COL6A3 (collagen type VI alpha 3 chain; minus strand). Cytogenetic location: 2q37.3.
Variant type: single nucleotide variant.
Coding change: c.1514A>T on transcript NM_004369.4 (MANE Select); coding-DNA position 1514, A replaced by T.
Protein change: p.Lys505Ile; replaces lysine 505 with isoleucine.
Molecular consequence: missense variant.
Genome position (GRCh38, 1-based): chr2:237,381,298, T>A on the plus strand (A>T on the coding strand, the complement: COL6A3 is on the minus strand). VCF-style: chr2-237381298-T-A. GRCh37 (hg19) VCF-style: chr2-238289941-T-A.
Other names: c.293A>T, p.Lys98Ile (NM_057164.5, NM_057166.5); c.896A>T, p.Lys299Ile (NM_057165.5, NM_057167.4); short protein forms K505I, K98I, K299I.
Identifiers: ClinVar variation 501806 (VCV000501806.6), dbSNP rs747914812, ClinGen allele CA2189610.